The following is an entry in ClinVar:

NM_005343.4(HRAS):c.223G>A (p.Gly75Arg)

Genes: LRRC56 (leucine rich repeat containing 56; plus strand), HRAS (HRas proto-oncogene, GTPase; minus strand). Cytogenetic location: 11p15.5.
Variant type: single nucleotide variant.
Coding change: c.223G>A on transcript NM_005343.4 (MANE Select); coding-DNA position 223, G replaced by A.
Protein change: p.Gly75Arg; replaces glycine 75 with arginine.
Molecular consequence: missense variant. On other transcripts: 5 prime UTR variant (1).
Genome position (GRCh38, 1-based): chr11:533,833, C>T on the plus strand (G>A on the coding strand, the complement: HRAS is on the minus strand). VCF-style: chr11-533833-C-T. GRCh37 (hg19) VCF-style: chr11-533833-C-T.
Other names: c.223G>A, p.Gly75Arg (NM_001130442.3, NM_176795.5); c.-97G>A (NM_001318054.2); short protein forms G75R.
Identifiers: ClinVar variation 1362265 (VCV001362265.6), dbSNP rs756190012, ClinGen allele CA5779384.

ClinVar aggregate classification (germline): Uncertain significance (1 of 4 stars; one submission).

Conditions:
Costello syndrome (CSTLO). Also called: FCS SYNDROME; FACIOCUTANEOSKELETAL SYNDROME; HRAS-Related Costello Syndrome. Identifiers: Orphanet 3071, MedGen C0587248, MONDO:0009026, OMIM 218040.

Allele frequency attached by ClinVar (database versions not stated): gnomAD exomes below 0.00001; ExAC 0.00001; gnomAD 0.00001.
gnomAD v4.1: 4 of 1,613,258 alleles (0.00025%); highest among the groups gnomAD compares: African/African-American, 0.0013%; no homozygotes.

Submission:

Labcorp Genetics (formerly Invitae), Labcorp
Classification: Uncertain significance for Costello syndrome. Last evaluated: 2021-08-19. Review status: criteria provided, single submitter. Criteria: Invitae Variant Classification Sherloc (09022015). Collection method: clinical testing. Allele origin: germline.
Comment: This sequence change replaces glycine with arginine at codon 75 of the HRAS protein (p.Gly75Arg). The glycine residue is highly conserved and there is a moderate physicochemical difference between glycine and arginine. In summary, the available evidence is currently insufficient to determine the role of this variant in disease. Therefore, it has been classified as a Variant of Uncertain Significance. Advanced modeling of protein sequence and biophysical properties (such as structural, functional, and spatial information, amino acid conservation, physicochemical variation, residue mobility, and thermodynamic stability) performed at Invitae indicates that this missense variant is expected to disrupt HRAS protein function. This variant has not been reported in the literature in individuals affected with HRAS-related conditions. This variant is present in population databases (rs756190012, ExAC 0.002%).